The following is an entry in ClinVar:

NM_001111.5(ADAR):c.3233G>T (p.Arg1078Leu)

Gene: ADAR (adenosine deaminase RNA specific; minus strand). Cytogenetic location: 1q21.3.
Variant type: single nucleotide variant.
Coding change: c.3233G>T on transcript NM_001111.5 (MANE Select); coding-DNA position 3233, G replaced by T.
Protein change: p.Arg1078Leu; replaces arginine 1078 with leucine.
Molecular consequence: missense variant.
Genome position (GRCh38, 1-based): chr1:154,585,835, C>A on the plus strand (G>T on the coding strand, the complement: ADAR is on the minus strand). VCF-style: chr1-154585835-C-A. GRCh37 (hg19) VCF-style: chr1-154558311-C-A.
Other names: c.2348G>T, p.Arg783Leu (NM_001025107.3, NM_001193495.2, NM_001365046.1 and 2 more transcripts); c.3260G>T, p.Arg1087Leu (NM_001365045.1); c.2270G>T, p.Arg757Leu (NM_001365049.1); c.3155G>T, p.Arg1052Leu (NM_015840.4); c.3098G>T, p.Arg1033Leu (NM_015841.4); short protein forms R757L, R783L, R1033L, R1052L, R1078L, R1087L.
Identifiers: ClinVar variation 2935628 (VCV002935628.3), dbSNP rs1185518625, ClinGen allele CA342635428.

ClinVar aggregate classification (germline): Pathogenic (1 of 4 stars; one submission).

Conditions:
Symmetrical dyschromatosis of extremities (DSH). Also called: DYSCHROMATOSIS SYMMETRICA HEREDITARIA 1; RETICULATE ACROPIGMENTATION OF DOHI; SYMMETRIC DYSCHROMATOSIS OF THE EXTREMITIES; Dyschromatosis symmetrica hereditaria. Identifiers: Orphanet 41, MedGen C0406775, MONDO:0007483, OMIM 127400.
Aicardi-Goutieres syndrome 6 (AGS6). Identifiers: Orphanet 51, MedGen C3539013, MONDO:0014007, OMIM 615010.

Submission:

Labcorp Genetics (formerly Invitae), Labcorp
Classification: Pathogenic for Aicardi-Goutieres syndrome 6; Symmetrical dyschromatosis of extremities. Last evaluated: 2023-08-04. Review status: criteria provided, single submitter. Criteria: Invitae Variant Classification Sherloc (09022015). Collection method: clinical testing. Allele origin: germline.
Comment: This sequence change replaces arginine, which is basic and polar, with leucine, which is neutral and non-polar, at codon 1078 of the ADAR protein (p.Arg1078Leu). This variant is not present in population databases (gnomAD no frequency). This missense change has been observed in individual(s) with autosomal dominant dyschromatosis symmetrica hereditaria (PMID: 28502085). It has also been observed to segregate with disease in related individuals. This variant is also known as p.R1078P. Advanced modeling of protein sequence and biophysical properties (such as structural, functional, and spatial information, amino acid conservation, physicochemical variation, residue mobility, and thermodynamic stability) has been performed at Invitae for this missense variant, however the output from this modeling did not meet the statistical confidence thresholds required to predict the impact of this variant on ADAR protein function. This variant disrupts the p.Arg1078 amino acid residue in ADAR. Other variant(s) that disrupt this residue have been determined to be pathogenic (PMID: 15489923). This suggests that this residue is clinically significant, and that variants that disrupt this residue are likely to be disease-causing. For these reasons, this variant has been classified as Pathogenic.

Literature cited by the submitters: PubMed 28502085; PubMed 15489923.